The following is an entry in ClinVar:

ClinVar aggregate classification (germline): Pathogenic (1 of 4 stars; one submission).

Submission:

GeneDx
Classification: Pathogenic. Last evaluated: 2018-03-20. Review status: criteria provided, single submitter. Criteria: GeneDx Variant Classification (06012015). Collection method: clinical testing. Allele origin: germline. Affected: yes.
Comment: The c.822+2T>G pathogenic variant in the NARS2 gene has not been reported previously as apathogenic variant nor as a benign variant, to our knowledge. This splice site variant destroys thecanonical splice acceptor site in intron 7. It is predicted to cause abnormal gene splicing, either leadingto an abnormal message that is subject to nonsense-mediated mRNA decay, or to an abnormal proteinproduct if the message is used for protein translation. The c.822+2T>G variant was not observed inapproximately 6500 individuals of European and African American ancestry in the NHLBI ExomeSequencing Project, indicating it is not a common benign variant in these populations.

NM_024678.6(NARS2):c.822+2T>G

Gene: NARS2 (asparaginyl-tRNA synthetase 2, mitochondrial; minus strand). Cytogenetic location: 11q14.1.
Variant type: single nucleotide variant.
Coding change: c.822+2T>G on transcript NM_024678.6 (MANE Select); the canonical splice donor site of the intron after coding-DNA position 822, T replaced by G.
Molecular consequence: splice donor variant.
Genome position (GRCh38, 1-based): chr11:78,493,061, A>C on the plus strand (T>G on the coding strand, the complement: NARS2 is on the minus strand). VCF-style: chr11-78493061-A-C. GRCh37 (hg19) VCF-style: chr11-78204107-A-C.
Other names: c.141+2T>G (NM_001243251.2).
Identifiers: ClinVar variation 280243 (VCV000280243.2), dbSNP rs886041483, ClinGen allele CA10603276.
Genomic context (GRCh38, chr11:78,493,061, plus strand): 5'-AAATATATACAGAAACATTTTAATGTCACAGATACCTGGTATTTTAAAACTTGTGTACCT[A>C]CCTGCATAAGATCTTGAAGGCTGTCAACAAAAGAAATCTCTGCTTCTATCATATAAAACT-3'